The following is an entry in ClinVar:

ClinVar aggregate classification (germline): Likely benign. Review status: criteria provided, multiple submitters, no conflicts (2 of 4 stars). 2 submissions from 2 submitters: Likely benign (2). Last evaluated 2025-11-03.

Allele frequency attached by ClinVar (database versions not stated): ExAC 0.00007; gnomAD 0.00012; ESP Exome Variant Server 0.00015; TOPMed 0.00017; gnomAD exomes 0.00025.
gnomAD v4.1: 381 of 1,613,846 alleles (0.024%); highest among the groups gnomAD compares: Non-Finnish European, 0.031%; no homozygotes.

Submissions (2):

Labcorp Genetics (formerly Invitae), Labcorp
Classification: Likely benign. Last evaluated: 2025-11-03. Review status: criteria provided, single submitter. Criteria: Invitae Variant Classification Sherloc (09022015). Collection method: clinical testing. Allele origin: germline.

CeGaT Center for Human Genetics Tuebingen
Classification: Likely benign. Last evaluated: 2025-11-01. Review status: criteria provided, single submitter. Criteria: CeGaT Center For Human Genetics Tuebingen Variant Classification Criteria Version 2. Collection method: clinical testing. Allele origin: germline. Affected: yes. Observed: 1 variant allele.
Comment: COPB2: BP4, BP7

NM_004766.3(COPB2):c.1491T>C (p.Ala497=)

Gene: COPB2 (coat protein complex I subunit beta 2; minus strand). Cytogenetic location: 3q23.
Variant type: single nucleotide variant.
Coding change: c.1491T>C on transcript NM_004766.3 (MANE Select); coding-DNA position 1491, T replaced by C.
Protein change: p.Ala497=; no amino-acid change (alanine 497 retained).
Molecular consequence: synonymous variant. On other transcripts: non-coding transcript variant (1).
Genome position (GRCh38, 1-based): chr3:139,368,199, A>G on the plus strand (T>C on the coding strand, the complement: COPB2 is on the minus strand). VCF-style: chr3-139368199-A-G. GRCh37 (hg19) VCF-style: chr3-139087041-A-G.
Other names: c.1404T>C, p.Ala468= (NM_001410834.1).
Identifiers: ClinVar variation 2065999 (VCV002065999.10), dbSNP rs371807575, ClinGen allele CA2641258.